The following is an entry in ClinVar:

ClinVar aggregate classification (germline): Conflicting classifications of pathogenicity. Review status: criteria provided, conflicting classifications (1 of 4 stars). 4 submissions from 4 submitters: Uncertain significance (1); Likely benign (3). Last evaluated 2025-12-18.

Conditions:
FLNB-related disorder. Also called: FLNB-related condition; FLNB-related disorders. Identifiers: MedGen CN381095.
FLNB-Related Spectrum Disorders.

Allele frequency attached by ClinVar (database versions not stated): gnomAD exomes 0.00007 and 0.00009; TOPMed 0.00008; ExAC 0.00009; gnomAD 0.00010 and 0.00011.
gnomAD v4.1: 148 of 1,614,208 alleles (0.0092%); highest among the groups gnomAD compares: Middle Eastern, 0.033%; no homozygotes.

Submissions (4):

Labcorp Genetics (formerly Invitae), Labcorp
Classification: Likely benign. Last evaluated: 2025-12-18. Review status: criteria provided, single submitter. Criteria: Invitae Variant Classification Sherloc (09022015). Collection method: clinical testing. Allele origin: germline.

PreventionGenetics, part of Exact Sciences
Classification: Likely benign for FLNB-related condition. Last evaluated: 2025-09-08. Review status: criteria provided, single submitter. Criteria: ACMG Guidelines, 2015. Collection method: clinical testing. Allele origin: germline.
Comment: This variant is classified as likely benign based on ACMG/AMP sequence variant interpretation guidelines (Richards et al. 2015 PMID: 25741868, with internal and published modifications).

Illumina Laboratory Services, Illumina
Classification: Uncertain significance for FLNB-Related Spectrum Disorders. Last evaluated: 2018-01-12. Review status: criteria provided, single submitter. Criteria: ICSL Variant Classification Criteria 13 December 2019. Collection method: clinical testing. Allele origin: germline.

GeneDx
Classification: Likely benign. Last evaluated: 2017-04-19. Review status: criteria provided, single submitter. Criteria: GeneDx Variant Classification (06012015). Collection method: clinical testing. Allele origin: germline. Affected: yes.
Comment: This variant is considered likely benign or benign based on one or more of the following criteria: it is a conservative change, it occurs at a poorly conserved position in the protein, it is predicted to be benign by multiple in silico algorithms, and/or has population frequency not consistent with disease.

NM_001457.4(FLNB):c.3753T>C (p.Phe1251=)

Gene: FLNB (filamin B; plus strand). Cytogenetic location: 3p14.3.
Variant type: single nucleotide variant.
Coding change: c.3753T>C on transcript NM_001457.4 (MANE Select); coding-DNA position 3753, T replaced by C.
Protein change: p.Phe1251=; no amino-acid change (phenylalanine 1251 retained).
Molecular consequence: synonymous variant.
Genome position (GRCh38, 1-based): chr3:58,124,360, T>C. VCF-style: chr3-58124360-T-C. GRCh37 (hg19) VCF-style: chr3-58110087-T-C.
Other names: c.3753T>C, p.Phe1251= (NM_001164317.2, NM_001164318.2, NM_001164319.2).
Identifiers: ClinVar variation 509067 (VCV000509067.13), dbSNP rs751650356, ClinGen allele CA2468528.
Genomic context (GRCh38, chr3:58,124,360, plus strand): 5'-GTGGCAGTGTTAGCTATGTGCTTGCTCTGCAGATGTGTTCCGGGAAGCTACCACCGACTT[T>C]ACAGTTGACTCTCGGCCGCTGACCCAGGTTGGGGGTGACCACATCAAGGCCCACATTGCC-3'
Protein context (NP_001448.2, residues 1241-1261): KDVFREATTD[Phe1251=]TVDSRPLTQV